The following is an entry in ClinVar:

NM_000465.4(BARD1):c.848C>T (p.Ala283Val)

Gene: BARD1 (BRCA1 associated RING domain 1; minus strand). Cytogenetic location: 2q35.
Variant type: single nucleotide variant.
Coding change: c.848C>T on transcript NM_000465.4 (MANE Select); coding-DNA position 848, C replaced by T.
Protein change: p.Ala283Val; replaces alanine 283 with valine.
Molecular consequence: missense variant. On other transcripts: non-coding transcript variant (2), intron variant (3).
Genome position (GRCh38, 1-based): chr2:214,781,026, G>A on the plus strand (C>T on the coding strand, the complement: BARD1 is on the minus strand). VCF-style: chr2-214781026-G-A. GRCh37 (hg19) VCF-style: chr2-215645750-G-A.
Other names: c.791C>T, p.Ala264Val (NM_001282543.2); c.158+28386C>T (NM_001282548.2); c.215+16035C>T (NM_001282545.2); c.364+11271C>T (NM_001282549.2); c.848C>T (NM_000465.2); short protein forms A283V, A264V.
Identifiers: ClinVar variation 927477 (VCV000927477.10), dbSNP rs1694987682, ClinGen allele CA350455254.

ClinVar aggregate classification (germline): Uncertain significance. Review status: criteria provided, multiple submitters, no conflicts (2 of 4 stars). 4 submissions from 4 submitters: Uncertain significance (4). Last evaluated 2025-10-02.

Conditions:
Hereditary cancer-predisposing syndrome. Also called: Neoplastic Syndromes, Hereditary; Hereditary Cancer Syndrome; Tumor predisposition; Hereditary neoplastic syndrome. Identifiers: Orphanet 140162, MedGen C0027672, MeSH D009386, MONDO:0015356.
Familial cancer of breast. Also called: Hereditary breast cancer; BREAST CANCER, FAMILIAL; hereditary breast carcinoma. Identifiers: Orphanet 227535, MedGen C0346153, MONDO:0016419, OMIM 114480. Disease mechanism: loss of function.

Allele frequency attached by ClinVar (database versions not stated): gnomAD exomes below 0.00001.
gnomAD v4.1: 3 of 1,612,252 alleles (0.00019%); highest among the groups gnomAD compares: African/African-American, 0.004%; no homozygotes.

Submissions (4):

Labcorp Genetics (formerly Invitae), Labcorp
Classification: Uncertain significance for Familial cancer of breast. Last evaluated: 2025-10-02. Review status: criteria provided, single submitter. Criteria: Invitae Variant Classification Sherloc (09022015). Collection method: clinical testing. Allele origin: germline.
Comment: This sequence change replaces alanine, which is neutral and non-polar, with valine, which is neutral and non-polar, at codon 283 of the BARD1 protein (p.Ala283Val). This variant is not present in population databases (gnomAD no frequency). This missense change has been observed in individual(s) with breast cancer (PMID: 29868112). ClinVar contains an entry for this variant (Variation ID: 927477). An algorithm developed to predict the effect of missense changes on protein structure and function (PolyPhen-2) suggests that this variant is likely to be tolerated. In summary, the available evidence is currently insufficient to determine the role of this variant in disease. Therefore, it has been classified as a Variant of Uncertain Significance.

Ambry Genetics
Classification: Uncertain significance for Hereditary cancer-predisposing syndrome. Last evaluated: 2023-07-12. Review status: criteria provided, single submitter. Criteria: Ambry Variant Classification Scheme 2023. Collection method: clinical testing. Allele origin: germline.
Comment: The p.A283V variant (also known as c.848C>T), located in coding exon 4 of the BARD1 gene, results from a C to T substitution at nucleotide position 848. The alanine at codon 283 is replaced by valine, an amino acid with similar properties. This amino acid position is conserved. In addition, this alteration is predicted to be tolerated by in silico analysis. Since supporting evidence is limited at this time, the clinical significance of this alteration remains unclear.

Revvity Omics, Revvity
Classification: Uncertain significance. Last evaluated: 2022-05-05. Review status: criteria provided, single submitter. Criteria: ACMG Guidelines, 2015. Collection method: clinical testing. Allele origin: germline.

Color Diagnostics, LLC DBA Color Health
Classification: Uncertain significance for Hereditary cancer-predisposing syndrome. Last evaluated: 2019-03-13. Review status: criteria provided, single submitter. Criteria: ACMG Guidelines, 2015. Collection method: clinical testing. Allele origin: germline.

Literature cited by the submitters: PubMed 29868112 (cited by Labcorp Genetics (formerly Invitae), Labcorp).